The following is an entry in ClinVar:

NM_000059.4(BRCA2):c.8982A>T (p.Ser2994=)

Gene: BRCA2 (BRCA2 DNA repair associated; plus strand). Cytogenetic location: 13q13.1.
Variant type: single nucleotide variant.
Coding change: c.8982A>T on transcript NM_000059.4 (MANE Select); coding-DNA position 8982, A replaced by T.
Protein change: p.Ser2994=; no amino-acid change (serine 2994 retained).
Molecular consequence: synonymous variant.
Genome position (GRCh38, 1-based): chr13:32,379,778, A>T. VCF-style: chr13-32379778-A-T. GRCh37 (hg19) VCF-style: chr13-32953915-A-T.
Identifiers: ClinVar variation 415673 (VCV000415673.18), dbSNP rs1060504623, ClinGen allele CA16614378.
Genomic context (GRCh38, chr13:32,379,778, plus strand): 5'-CCATTGCATCTTTCTCATCTTTCTCCAAACAGTTATACTGAGTATTTGGCGTCCATCATC[A>T]GATTTATATTCTCTGTTAACAGAAGGAAAGAGATACAGAATTTATCATCTTGCAACTTCA-3'
Protein context (NP_000050.3, residues 2984-3004): SVILSIWRPS[Ser2994=]DLYSLLTEGK

ClinVar aggregate classification (germline): Conflicting classifications of pathogenicity. Review status: criteria provided, conflicting classifications (1 of 4 stars). 6 submissions from 6 submitters: Uncertain significance (1); Likely benign (5). Last evaluated 2025-10-07.

Conditions:
Hereditary breast ovarian cancer syndrome. Also called: Breast and ovarian cancer; Hereditary breast and ovarian cancer; Hereditary breast and/or ovarian cancer syndrome; BRCA1- and BRCA2-Associated Hereditary Breast and Ovarian Cancer; Hereditary breast and ovarian cancer syndrome (HBOC); Hereditary breast and ovarian cancer syndrome. Identifiers: Orphanet 145, MedGen C0677776, MeSH D061325, MONDO:0003582. Disease mechanism: loss of function.
BRCA2-related cancer predisposition. Identifiers: MedGen CN377758, MONDO:0700269.
Hereditary cancer-predisposing syndrome. Also called: Tumor predisposition; Neoplastic Syndromes, Hereditary; Hereditary neoplastic syndrome; Hereditary Cancer Syndrome. Identifiers: Orphanet 140162, MedGen C0027672, MeSH D009386, MONDO:0015356.

Allele frequency attached by ClinVar (database versions not stated): gnomAD exomes below 0.00001; TOPMed 0.00001.
gnomAD v4.1: 1 of 1,612,748 alleles (0.000062%); highest among the groups gnomAD compares: Admixed American, 0.0017%; no homozygotes.

Submissions (6):

Labcorp Genetics (formerly Invitae), Labcorp
Classification: Likely benign for Hereditary breast ovarian cancer syndrome. Last evaluated: 2025-10-07. Review status: criteria provided, single submitter. Criteria: Invitae Variant Classification Sherloc (09022015). Collection method: clinical testing. Allele origin: germline.

Molecular Diagnostics Laboratory, Catalan Institute of Oncology
Classification: Uncertain significance for Hereditary cancer-predisposing syndrome. Last evaluated: 2025-03-06. Review status: criteria provided, single submitter. Criteria: ClinGen BRCA1BRCA2 ACMG Specifications BRCA2 V1.0.0. Collection method: clinical testing. Allele origin: germline.
Comment: PM2_Supporting, PP3 c.8982A>T, located in exon 23 of the BRCA2 gene, is predicted to result in no amino acid change, p.(Ser2994=). This position is inside a (potentially) clinically important functional domain and is predicted to have a significant impact on splicing by Splice AI as it predicts that the variant disrupts the canonical acceptor site (SpliceAI-AcceptorLoss:0,29) and generates a novel cryptic splice acceptor site downstream of the canonical site (SpliceAI-AcceptorGain: 0,28), that could cause the in-frame skipping of first 54 bases of exon 23 (r.8954_9007del; p.Val2985_Glu3002del) (PP3).It is not present in the population database gnomAD v2.1.1, non cancer dataset (PM2_supporting). To our knowledge, neither relevant clinical data nor well-stablished functional studies have been reported for this variant. In addition, it has been identified in the ClinVar (1x benign, 2x likely benign), LOVD (1x uncertain significance) and BRCA Exchange databases (not yet reviewed). Based on currently available information, the variant c.8982A>T should be considered an uncertain significance variant.

All of Us Research Program, National Institutes of Health
Classification: Likely benign for BRCA2-related cancer predisposition. Last evaluated: 2024-05-09. Review status: criteria provided, single submitter. Criteria: ACMG Guidelines, 2015. Collection method: clinical testing. Allele origin: germline. Inheritance: Autosomal dominant inheritance. Observed: 1 variant allele, 1 heterozygote.
Comment: This study involves interpretation of variants in research participants for the purpose of population health screening. Participant phenotype was not available at the time of variant classification. Additional details can be found in publication PMID: 35346344, PMCID: PMC8962531

Ambry Genetics
Classification: Likely benign for Hereditary cancer-predisposing syndrome. Last evaluated: 2019-03-08. Review status: criteria provided, single submitter. Criteria: Ambry Variant Classification Scheme 2023. Collection method: clinical testing. Allele origin: germline.

Color Diagnostics, LLC DBA Color Health
Classification: Likely benign for Hereditary cancer-predisposing syndrome. Last evaluated: 2019-02-12. Review status: criteria provided, single submitter. Criteria: ACMG Guidelines, 2015. Collection method: clinical testing. Allele origin: germline.

GeneDx
Classification: Likely benign. Last evaluated: 2017-07-10. Review status: criteria provided, single submitter. Criteria: GeneDx Variant Classification (06012015). Collection method: clinical testing. Allele origin: germline. Affected: yes.
Comment: This variant is considered likely benign or benign based on one or more of the following criteria: it is a conservative change, it occurs at a poorly conserved position in the protein, it is predicted to be benign by multiple in silico algorithms, and/or has population frequency not consistent with disease.